The following is an entry in ClinVar:

ClinVar aggregate classification (germline): Uncertain significance (1 of 4 stars; one submission).

Conditions:
Polycystic kidney disease 4 (PKD4). Also called: PKD3; POLYCYSTIC KIDNEY DISEASE 4 WITH OR WITHOUT POLYCYSTIC LIVER DISEASE; Autosomal Recessive Polycystic Kidney Disease – PKHD1; POLYCYSTIC KIDNEY AND HEPATIC DISEASE 1; POLYCYSTIC KIDNEY DISEASE, INFANTILE, TYPE I. Identifiers: MedGen C4540575, MONDO:0033004, OMIM 263200.

gnomAD v4.1: 6 of 1,441,032 alleles (0.00042%); highest among the groups gnomAD compares: South Asian, 0.0023%; no homozygotes.

Submission:

Victorian Clinical Genetics Services, Murdoch Childrens Research Institute
Classification: Uncertain significance for Polycystic kidney disease 4. Last evaluated: 2026-03-14. Review status: criteria provided, single submitter. Criteria: ACMG Guidelines, 2015. Collection method: clinical testing. Allele origin: germline. Affected: yes.
Comment: This variant is classified as VUS-3B. Evidence in support of pathogenic classification: Variant is present in gnomAD <0.01 for a recessive condition (v4: 6 heterozygote(s), 0 homozygote(s)); Abnormal splicing is predicted by in silico tool and affected nucleotide is highly conserved. However, the missense consequence has inconclusive in silico prediction and/or uninformative conservation. Additional information: Variant is predicted to result in a missense amino acid change from Gly to Ser. This variant affects the last nucleotide of exon 12, however, no functional evidence is available to determine the consequence on splicing; This variant is heterozygous; This gene is associated with autosomal recessive disease; however, there are emerging reports of individuals with heterozygous PKHD1 variants developing liver cysts and nephrocalcinosis (PMID: 21945273, 36691356); Alternative amino acid change(s) at the same position are present in gnomAD (highest allele count: v4: 1 heterozygote(s), 0 homozygote(s)); This variant has no previous evidence of pathogenicity; No published evidence of segregation with disease has been identified for this variant; No published functional evidence has been identified for this variant; No comparable variants have previous evidence for pathogenicity; Variant is located in the annotated IPT/TIG domain (DECIPHER). - Loss of function is a known mechanism of disease in this gene and is associated with polycystic kidney disease 4, with or without hepatic disease (MIM#263200); Variants in this gene are known to have variable expressivity. Significant intrafamilial variability has been reported (PMID: 20301501); Inheritance information for this variant is not currently available in this individual.

Literature cited by the submitters: PubMed 21945273; PubMed 36691356; PubMed 20301501.

NM_138694.4(PKHD1):c.880G>A (p.Gly294Ser)

Gene: PKHD1 (PKHD1 ciliary IPT domain containing fibrocystin/polyductin; minus strand). Cytogenetic location: 6p12.2.
Variant type: single nucleotide variant.
Coding change: c.880G>A on transcript NM_138694.4 (MANE Select); coding-DNA position 880, G replaced by A.
Protein change: p.Gly294Ser; replaces glycine 294 with serine.
Molecular consequence: missense variant.
Genome position (GRCh38, 1-based): chr6:52,065,976, C>T on the plus strand (G>A on the coding strand, the complement: PKHD1 is on the minus strand). VCF-style: chr6-52065976-C-T. GRCh37 (hg19) VCF-style: chr6-51930774-C-T.
Other names: c.880G>A, p.Gly294Ser (NM_170724.3); short protein forms G294S.
Identifiers: ClinVar variation 4879743 (VCV004879743.1).